The following is an entry in ClinVar:

NM_006206.6(PDGFRA):c.1324C>T (p.Leu442Phe)

Gene: PDGFRA (platelet derived growth factor receptor alpha; plus strand). Cytogenetic location: 4q12.
Variant type: single nucleotide variant.
Coding change: c.1324C>T on transcript NM_006206.6 (MANE Select); coding-DNA position 1324, C replaced by T.
Protein change: p.Leu442Phe; replaces leucine 442 with phenylalanine.
Molecular consequence: missense variant.
Genome position (GRCh38, 1-based): chr4:54,272,480, C>T. VCF-style: chr4-54272480-C-T. GRCh37 (hg19) VCF-style: chr4-55138647-C-T.
Other names: c.1324C>T, p.Leu442Phe (NM_001347827.2, NM_001347829.2); c.1399C>T, p.Leu467Phe (NM_001347828.2); c.1363C>T, p.Leu455Phe (NM_001347830.2); short protein forms L467F, L442F, L455F.
Identifiers: ClinVar variation 4827560 (VCV004827560.1).
Genomic context (GRCh38, chr4:54,272,480, plus strand): 5'-GATGATCACCATGGCTCAACTGGGGGACAGACGGTGAGGTGCACAGCTGAAGGCACGCCG[C>T]TTCCTGATATTGAGTGGATGATATGCAAAGATATTAAGAAGTATGGAAAACAGATGTGTC-3'
Protein context (NP_006197.1, residues 432-452): TVRCTAEGTP[Leu442Phe]PDIEWMICKD

ClinVar aggregate classification (germline): Uncertain significance (1 of 4 stars; one submission).

Conditions:
Hereditary cancer-predisposing syndrome. Also called: Neoplastic Syndromes, Hereditary; Tumor predisposition; Hereditary Cancer Syndrome; Hereditary neoplastic syndrome. Identifiers: Orphanet 140162, MedGen C0027672, MeSH D009386, MONDO:0015356.

gnomAD v4.1: 1 of 1,614,054 alleles (0.000062%); highest among the groups gnomAD compares: Non-Finnish European, 0.000085%; no homozygotes.

Submission:

Ambry Genetics
Classification: Uncertain significance for Hereditary cancer-predisposing syndrome. Last evaluated: 2026-03-10. Review status: criteria provided, single submitter. Criteria: Ambry Variant Classification Scheme 2023. Collection method: clinical testing. Allele origin: germline.
Comment: The p.L442F variant (also known as c.1324C>T), located in coding exon 8 of the PDGFRA gene, results from a C to T substitution at nucleotide position 1324. The leucine at codon 442 is replaced by phenylalanine, an amino acid with highly similar properties. This amino acid position is conserved. In addition, this alteration is predicted to be tolerated by in silico analysis. Based on the available evidence, the clinical significance of this variant remains unclear.